The following is an entry in ClinVar:

NM_020922.5(WNK3):c.5225A>G (p.Tyr1742Cys)

Gene: WNK3 (WNK lysine deficient protein kinase 3; minus strand). Cytogenetic location: Xp11.22.
Variant type: single nucleotide variant.
Coding change: c.5225A>G on transcript NM_020922.5 (MANE Select); coding-DNA position 5225, A replaced by G.
Protein change: p.Tyr1742Cys; replaces tyrosine 1742 with cysteine.
Molecular consequence: missense variant.
Genome position (GRCh38, 1-based): chrX:54,198,502, T>C on the plus strand (A>G on the coding strand, the complement: WNK3 is on the minus strand). VCF-style: chrX-54198502-T-C. GRCh37 (hg19) VCF-style: chrX-54224935-T-C.
Other names: c.5054A>G, p.Tyr1685Cys (NM_001002838.4, NM_001395166.1); short protein forms Y1685C, Y1742C.
Identifiers: ClinVar variation 3252503 (VCV003252503.2), dbSNP rs1557140804.

ClinVar aggregate classification (germline): Uncertain significance (1 of 4 stars; one submission).

Allele frequency attached by ClinVar (database versions not stated): gnomAD 0.00001; gnomAD exomes 0.00001.
gnomAD v4.1: 16 of 1,207,078 alleles (0.0013%); highest among the groups gnomAD compares: Non-Finnish European, 0.0018%; no homozygotes.

Submission:

GeneDx
Classification: Uncertain significance. Last evaluated: 2025-11-05. Review status: criteria provided, single submitter. Criteria: GeneDx Variant Classification Process June 2021. Collection method: clinical testing. Allele origin: germline.
Comment: In silico analysis supports that this missense variant has a deleterious effect on protein structure/function; Has not been previously published as pathogenic or benign to our knowledge